The following is an entry in ClinVar:

NM_001111.5(ADAR):c.1524G>A (p.Leu508=)

Gene: ADAR (adenosine deaminase RNA specific; minus strand). Cytogenetic location: 1q21.3.
Variant type: single nucleotide variant.
Coding change: c.1524G>A on transcript NM_001111.5 (MANE Select); coding-DNA position 1524, G replaced by A.
Protein change: p.Leu508=; no amino-acid change (leucine 508 retained).
Molecular consequence: synonymous variant.
Genome position (GRCh38, 1-based): chr1:154,601,118, C>T on the plus strand (G>A on the coding strand, the complement: ADAR is on the minus strand). VCF-style: chr1-154601118-C-T. GRCh37 (hg19) VCF-style: chr1-154573594-C-T.
Other names: c.1524G>A (NM_001111.4); c.639G>A, p.Leu213= (NM_001025107.3, NM_001193495.2, NM_001365046.1 and 3 more transcripts); c.1551G>A, p.Leu517= (NM_001365045.1); c.1524G>A, p.Leu508= (NM_015840.4, NM_015841.4).
Identifiers: ClinVar variation 2037253 (VCV002037253.6), dbSNP rs765013076, ClinGen allele CA1131537.

ClinVar aggregate classification (germline): Likely benign. Review status: criteria provided, multiple submitters, no conflicts (2 of 4 stars). 3 submissions from 3 submitters: Likely benign (3). Last evaluated 2025-02-27.

Conditions:
ADAR-related disorder. Also called: ADAR-related disorders; ADAR-related condition.
Aicardi-Goutieres syndrome 6 (AGS6). Identifiers: Orphanet 51, MedGen C3539013, MONDO:0014007, OMIM 615010.
Symmetrical dyschromatosis of extremities (DSH). Also called: DYSCHROMATOSIS SYMMETRICA HEREDITARIA 1; SYMMETRIC DYSCHROMATOSIS OF THE EXTREMITIES; Dyschromatosis symmetrica hereditaria; RETICULATE ACROPIGMENTATION OF DOHI. Identifiers: Orphanet 41, MedGen C0406775, MONDO:0007483, OMIM 127400.

Allele frequency attached by ClinVar (database versions not stated): gnomAD exomes below 0.00001; ExAC 0.00001; gnomAD 0.00001; TOPMed 0.00001.
gnomAD v4.1: 8 of 1,614,100 alleles (0.0005%); highest among the groups gnomAD compares: Non-Finnish European, 0.00068%; no homozygotes.

Submissions (3):

PreventionGenetics, part of Exact Sciences
Classification: Likely benign for ADAR-related condition. Last evaluated: 2025-02-27. Review status: criteria provided, single submitter. Criteria: ACMG Guidelines, 2015. Collection method: clinical testing. Allele origin: germline.
Comment: This variant is classified as likely benign based on ACMG/AMP sequence variant interpretation guidelines (Richards et al. 2015 PMID: 25741868, with internal and published modifications).

Blueprint Genetics
Classification: Likely benign. Last evaluated: 2024-10-04. Review status: criteria provided, single submitter. Criteria: ACMG Guidelines, 2015. Collection method: clinical testing. Allele origin: germline.

Labcorp Genetics (formerly Invitae), Labcorp
Classification: Likely benign for Aicardi-Goutieres syndrome 6; Symmetrical dyschromatosis of extremities. Last evaluated: 2022-11-17. Review status: criteria provided, single submitter. Criteria: Invitae Variant Classification Sherloc (09022015). Collection method: clinical testing. Allele origin: germline.